The following is an entry in ClinVar:

NM_000266.4(NDP):c.262C>A (p.Pro88Thr)

Genes: NDP-AS1 (NDP antisense RNA 1; plus strand), NDP (norrin cystine knot growth factor NDP; minus strand). Cytogenetic location: Xp11.3.
Variant type: single nucleotide variant.
Coding change: c.262C>A on transcript NM_000266.4 (MANE Select); coding-DNA position 262, C replaced by A.
Protein change: p.Pro88Thr; replaces proline 88 with threonine.
Molecular consequence: missense variant. On other transcripts: non-coding transcript variant (1).
Genome position (GRCh38, 1-based): chrX:43,949,939, G>T on the plus strand (C>A on the coding strand, the complement: NDP is on the minus strand). VCF-style: chrX-43949939-G-T. GRCh37 (hg19) VCF-style: chrX-43809185-G-T.
Other names: short protein forms P88T.
Identifiers: ClinVar variation 2854054 (VCV002854054.3), dbSNP rs2519315046, ClinGen allele CA413007636.
Genomic context (GRCh38, chrX:43,949,939, plus strand): 5'-GCCGCAGTGCCTTCAGCTTGGAAGTCTGGGGCCGGCAGCAGTGACAGGAGGAACGGAAGG[G>T]TTGCTTGAGGACAGTGCTGAACGACACCAAAGGCTCGGAGCGTGACGCCTGGCTGCAGTG-3'
Protein context (NP_000257.1, residues 78-98): LVSFSTVLKQ[Pro88Thr]FRSSCHCCRP

ClinVar aggregate classification (germline): Uncertain significance (1 of 4 stars; one submission).

Submission:

Labcorp Genetics (formerly Invitae), Labcorp
Classification: Uncertain significance. Last evaluated: 2023-04-09. Review status: criteria provided, single submitter. Criteria: Invitae Variant Classification Sherloc (09022015). Collection method: clinical testing. Allele origin: germline.
Comment: This sequence change replaces proline, which is neutral and non-polar, with threonine, which is neutral and polar, at codon 88 of the NDP protein (p.Pro88Thr). This variant is not present in population databases (gnomAD no frequency). This variant has not been reported in the literature in individuals affected with NDP-related conditions. Advanced modeling of protein sequence and biophysical properties (such as structural, functional, and spatial information, amino acid conservation, physicochemical variation, residue mobility, and thermodynamic stability) has been performed at Invitae for this missense variant, however the output from this modeling did not meet the statistical confidence thresholds required to predict the impact of this variant on NDP protein function. In summary, the available evidence is currently insufficient to determine the role of this variant in disease. Therefore, it has been classified as a Variant of Uncertain Significance.